The following is an entry in ClinVar:

ClinVar aggregate classification (germline): Uncertain significance (1 of 4 stars; one submission).

Conditions:
PIEZO2-related disorder. Also called: PIEZO2-related condition; PIEZO2-related disorders.

Allele frequency attached by ClinVar (database versions not stated): gnomAD exomes below 0.00001.
gnomAD v4.1: 1 of 1,525,052 alleles (0.000066%); highest among the groups gnomAD compares: Middle Eastern, 0.017%; no homozygotes.

Submission:

PreventionGenetics, part of Exact Sciences
Classification: Uncertain significance for PIEZO2-related condition. Last evaluated: 2023-01-03. Review status: criteria provided, single submitter. Criteria: ACMG Guidelines, 2015. Collection method: clinical testing. Allele origin: germline.
Comment: The PIEZO2 c.4922T>C variant is predicted to result in the amino acid substitution p.Ile1641Thr. To our knowledge, this variant has not been reported in the literature or in a large population database, indicating this variant is rare. At this time, the clinical significance of this variant is uncertain due to the absence of conclusive functional and genetic evidence.

NM_001378183.1(PIEZO2):c.5096T>C (p.Ile1699Thr)

Gene: PIEZO2 (piezo type mechanosensitive ion channel component 2; minus strand). Cytogenetic location: 18p11.22.
Variant type: single nucleotide variant.
Coding change: c.5096T>C on transcript NM_001378183.1 (MANE Select); coding-DNA position 5096, T replaced by C.
Protein change: p.Ile1699Thr; replaces isoleucine 1699 with threonine.
Molecular consequence: missense variant.
Genome position (GRCh38, 1-based): chr18:10,715,810, A>G on the plus strand (T>C on the coding strand, the complement: PIEZO2 is on the minus strand). VCF-style: chr18-10715810-A-G. GRCh37 (hg19) VCF-style: chr18-10715808-A-G.
Other names: c.4997T>C, p.Ile1666Thr (NM_001410871.1); c.4922T>C, p.Ile1641Thr (NM_022068.4); short protein forms I1641T, I1666T, I1699T.
Identifiers: ClinVar variation 2635171 (VCV002635171.1), dbSNP rs2510330134, ClinGen allele CA401913373.